The following is an entry in ClinVar:

NM_001278116.2(L1CAM):c.1703+10G>C

Gene: L1CAM (L1 cell adhesion molecule; minus strand). Cytogenetic location: Xq28.
Variant type: single nucleotide variant.
Coding change: c.1703+10G>C on transcript NM_001278116.2 (MANE Select); 10 bases into the intron after coding-DNA position 1703, G replaced by C.
Molecular consequence: intron variant.
Genome position (GRCh38, 1-based): chrX:153,868,292, C>G on the plus strand (G>C on the coding strand, the complement: L1CAM is on the minus strand). VCF-style: chrX-153868292-C-G. GRCh37 (hg19) VCF-style: chrX-153133747-C-G.
Other names: c.1688+10G>C (NM_001143963.2); c.1703+10G>C (NM_024003.3, NM_000425.5).
Identifiers: ClinVar variation 697790 (VCV000697790.11), dbSNP rs781848372, ClinGen allele CA10554326.
Genomic context (GRCh38, chrX:153,868,292, plus strand): 5'-AGGACGAGGCCAAGAGGTCTGGACTTCCAGCTTTTCCCACTCTGCCCCCTTTCACCGTCA[C>G]TGTCCTCACTTGTCACTGTCCCCAAGCTCCTGGAGGTCTCGACCGTCCCCACGCCAGGTG-3'

ClinVar aggregate classification (germline): Benign. Review status: criteria provided, single submitter (1 of 4 stars). 2 submissions from 2 submitters: Benign (1). 1 of the submissions does not count toward it. Last evaluated 2025-12-16.

Conditions:
L1CAM-related disorder. Also called: L1CAM-related condition.
Spastic paraplegia. Identifiers: MedGen C0037772, HP:0001258.

Allele frequency attached by ClinVar (database versions not stated): ExAC 0.00007; gnomAD 0.00007; gnomAD exomes 0.00007; TOPMed 0.00008.
gnomAD v4.1: 23 of 1,209,860 alleles (0.0019%); highest among the groups gnomAD compares: Admixed American, 0.05%; no homozygotes.

Submissions (2):

Labcorp Genetics (formerly Invitae), Labcorp
Classification: Benign for Spastic paraplegia. Last evaluated: 2025-12-16. Review status: criteria provided, single submitter. Criteria: Invitae Variant Classification Sherloc (09022015). Collection method: clinical testing. Allele origin: germline.

PreventionGenetics, part of Exact Sciences
Classification: Likely benign for L1CAM-related condition. Last evaluated: 2019-05-31. Review status: no assertion criteria provided. Collection method: clinical testing. Allele origin: germline. Not counted in ClinVar's aggregate classification.
Comment: This variant is classified as likely benign based on ACMG/AMP sequence variant interpretation guidelines (Richards et al. 2015 PMID: 25741868, with internal and published modifications).